The following is an entry in ClinVar:

ClinVar aggregate classification (germline): Likely benign. Review status: criteria provided, single submitter (1 of 4 stars). 2 submissions from 2 submitters: Likely benign (1). 1 of the submissions does not count toward it. Last evaluated 2025-03-30.

Conditions:
Carpenter syndrome. Identifiers: Orphanet 65759, MedGen C1275078, MONDO:0019012.
RAB23-related disorder. Also called: RAB23-related condition.

Allele frequency attached by ClinVar (database versions not stated): gnomAD 0.00001; gnomAD exomes 0.00001 and 0.00002; TOPMed 0.00001; ExAC 0.00002; ESP Exome Variant Server 0.00015.
gnomAD v4.1: 14 of 1,613,730 alleles (0.00087%); highest among the groups gnomAD compares: East Asian, 0.0022%; no homozygotes.

Submissions (2):

Labcorp Genetics (formerly Invitae), Labcorp
Classification: Likely benign for Carpenter syndrome. Last evaluated: 2025-03-30. Review status: criteria provided, single submitter. Criteria: Invitae Variant Classification Sherloc (09022015). Collection method: clinical testing. Allele origin: germline.

PreventionGenetics, part of Exact Sciences
Classification: Likely benign for RAB23-related condition. Last evaluated: 2021-09-28. Review status: no assertion criteria provided. Collection method: clinical testing. Allele origin: germline. Not counted in ClinVar's aggregate classification.
Comment: This variant is classified as likely benign based on ACMG/AMP sequence variant interpretation guidelines (Richards et al. 2015 PMID: 25741868, with internal and published modifications).

NM_016277.5(RAB23):c.327C>T (p.Ala109=)

Gene: RAB23 (RAB23, member RAS oncogene family; minus strand). Cytogenetic location: 6p12.1.
Variant type: single nucleotide variant.
Coding change: c.327C>T on transcript NM_016277.5 (MANE Select); coding-DNA position 327, C replaced by T.
Protein change: p.Ala109=; no amino-acid change (alanine 109 retained).
Molecular consequence: synonymous variant.
Genome position (GRCh38, 1-based): chr6:57,196,521, G>A on the plus strand (C>T on the coding strand, the complement: RAB23 is on the minus strand). VCF-style: chr6-57196521-G-A. GRCh37 (hg19) VCF-style: chr6-57061319-G-A.
Other names: c.327C>T, p.Ala109= (NM_001278666.2, NM_001278667.2, NM_001278668.2 and 1 more transcripts); c.327C>T (NM_183227.2).
Identifiers: ClinVar variation 1146082 (VCV001146082.11), dbSNP rs370959474, ClinGen allele CA3873852.